The following is an entry in ClinVar:

ClinVar aggregate classification (germline): Uncertain significance. Review status: criteria provided, multiple submitters, no conflicts (2 of 4 stars). 2 submissions from 2 submitters: Uncertain significance (2). Last evaluated 2025-11-12.

Conditions:
Inborn genetic diseases. Identifiers: MedGen C0950123, MeSH D030342.

Allele frequency attached by ClinVar (database versions not stated): gnomAD exomes 0.00001; TOPMed 0.00002; gnomAD 0.00002.
gnomAD v4.1: 9 of 1,614,216 alleles (0.00056%); highest among the groups gnomAD compares: Admixed American, 0.013%; no homozygotes.

Submissions (2):

Labcorp Genetics (formerly Invitae), Labcorp
Classification: Uncertain significance. Last evaluated: 2025-11-12. Review status: criteria provided, single submitter. Criteria: Invitae Variant Classification Sherloc (09022015). Collection method: clinical testing. Allele origin: germline.
Comment: This sequence change replaces tyrosine, which is neutral and polar, with cysteine, which is neutral and slightly polar, at codon 763 of the IGF1R protein (p.Tyr763Cys). This variant is present in population databases (no rsID available, gnomAD 0.01%). This variant has not been reported in the literature in individuals affected with IGF1R-related conditions. ClinVar contains an entry for this variant (Variation ID: 2742037). Invitae Evidence Modeling of protein sequence and biophysical properties (such as structural, functional, and spatial information, amino acid conservation, physicochemical variation, residue mobility, and thermodynamic stability) indicates that this missense variant is not expected to disrupt IGF1R protein function with a negative predictive value of 80%. In summary, the available evidence is currently insufficient to determine the role of this variant in disease. Therefore, it has been classified as a Variant of Uncertain Significance.

Ambry Genetics
Classification: Uncertain significance for Inborn genetic diseases. Last evaluated: 2024-01-04. Review status: criteria provided, single submitter. Criteria: Ambry Variant Classification Scheme 2023. Collection method: clinical testing. Allele origin: germline.

NM_000875.5(IGF1R):c.2288A>G (p.Tyr763Cys)

Gene: IGF1R (insulin like growth factor 1 receptor; plus strand). Cytogenetic location: 15q26.3.
Variant type: single nucleotide variant.
Coding change: c.2288A>G on transcript NM_000875.5 (MANE Select); coding-DNA position 2288, A replaced by G.
Protein change: p.Tyr763Cys; replaces tyrosine 763 with cysteine.
Molecular consequence: missense variant.
Genome position (GRCh38, 1-based): chr15:98,922,234, A>G. VCF-style: chr15-98922234-A-G. GRCh37 (hg19) VCF-style: chr15-99465463-A-G.
Other names: c.2288A>G, p.Tyr763Cys (NM_001291858.2); c.2288A>G (NM_000875.3); short protein forms Y763C.
Identifiers: ClinVar variation 2742037 (VCV002742037.4), dbSNP rs1036734378, ClinGen allele CA275384317.
Genomic context (GRCh38, chr15:98,922,234, plus strand): 5'-TGCAAGTGGCCAACACCACCATGTCCAGCCGAAGCAGGAACACCACGGCCGCAGACACCT[A>G]CAACATCACCGACCCGGAAGAGCTGGAGACAGAGTACCCTTTCTTTGAGAGCAGAGTGGA-3'
Protein context (NP_000866.1, residues 753-773): RSRNTTAADT[Tyr763Cys]NITDPEELET